The following is an entry in ClinVar:

NM_000051.4(ATM):c.4523A>C (p.Tyr1508Ser)

Gene: ATM (ATM serine/threonine kinase; plus strand). Cytogenetic location: 11q22.3.
Variant type: single nucleotide variant.
Coding change: c.4523A>C on transcript NM_000051.4 (MANE Select); coding-DNA position 4523, A replaced by C.
Protein change: p.Tyr1508Ser; replaces tyrosine 1508 with serine.
Molecular consequence: missense variant.
Genome position (GRCh38, 1-based): chr11:108,292,705, A>C. VCF-style: chr11-108292705-A-C. GRCh37 (hg19) VCF-style: chr11-108163432-A-C.
Other names: c.4523A>C, p.Tyr1508Ser (NM_001351834.2); short protein forms Y1508S.
Identifiers: ClinVar variation 4747217 (VCV004747217.1).

ClinVar aggregate classification (germline): Uncertain significance (1 of 4 stars; one submission).

Conditions:
Ataxia-telangiectasia syndrome (AT). Also called: Ataxia-telangiectasia, complementation group D; AT, COMPLEMENTATION GROUP C; Ataxia-telangiectasia; Ataxia telangiectasia (A-T); LOUIS-BAR SYNDROME; Cerebello-oculocutaneous telangiectasia. Identifiers: Orphanet 100, MedGen C0004135, MONDO:0008840, OMIM 208900.

Submission:

Labcorp Genetics (formerly Invitae), Labcorp
Classification: Uncertain significance for Ataxia-telangiectasia syndrome. Last evaluated: 2025-11-18. Review status: criteria provided, single submitter. Criteria: Invitae Variant Classification Sherloc (09022015). Collection method: clinical testing. Allele origin: germline.
Comment: This sequence change replaces tyrosine, which is neutral and polar, with serine, which is neutral and polar, at codon 1508 of the ATM protein (p.Tyr1508Ser). This variant is not present in population databases (gnomAD no frequency). This variant has not been reported in the literature in individuals affected with ATM-related conditions. Invitae Evidence Modeling of protein sequence and biophysical properties (such as structural, functional, and spatial information, amino acid conservation, physicochemical variation, residue mobility, and thermodynamic stability) indicates that this missense variant is not expected to disrupt ATM protein function with a negative predictive value of 95%. In summary, the available evidence is currently insufficient to determine the role of this variant in disease. Therefore, it has been classified as a Variant of Uncertain Significance.